The following is an entry in ClinVar:

NM_001135629.3(PPP1R21):c.405T>C (p.His135=)

Gene: PPP1R21 (protein phosphatase 1 regulatory subunit 21; plus strand). Cytogenetic location: 2p16.3.
Variant type: single nucleotide variant.
Coding change: c.405T>C on transcript NM_001135629.3 (MANE Select); coding-DNA position 405, T replaced by C.
Protein change: p.His135=; no amino-acid change (histidine 135 retained).
Molecular consequence: synonymous variant. On other transcripts: non-coding transcript variant (1).
Genome position (GRCh38, 1-based): chr2:48,459,783, T>C. VCF-style: chr2-48459783-T-C. GRCh37 (hg19) VCF-style: chr2-48686922-T-C.
Other names: c.405T>C, p.His135= (NM_001193475.2, NM_152994.5).
Identifiers: ClinVar variation 5039696 (VCV005039696.1).

ClinVar aggregate classification (germline): Likely benign (1 of 4 stars; one submission).

Submission:

CeGaT Center for Human Genetics Tuebingen
Classification: Likely benign. Last evaluated: 2026-07-01. Review status: criteria provided, single submitter. Criteria: CeGaT Center For Human Genetics Tuebingen Variant Classification Criteria Version 2. Collection method: clinical testing. Allele origin: germline. Affected: yes. Observed: 1 variant allele.
Comment: PPP1R21: BP4, BP7